The following is an entry in ClinVar:

NM_001166108.2(PALLD):c.3059-6del

Genes: CBR4 (carbonyl reductase 4; minus strand), PALLD (palladin, cytoskeletal associated protein; plus strand). Cytogenetic location: 4q32.3.
Variant type: Deletion.
Coding change: c.3059-6del on transcript NM_001166108.2 (MANE Select); 6 bases into the intron before coding-DNA position 3059, one base deleted (T; older notation c.3059-6delT).
Molecular consequence: intron variant.
Genome position (GRCh38, 1-based): chr4:168,924,249, T deleted; the last of 4 consecutive T bases (chr4:168,924,246-168,924,249); deleting any one gives the same sequence. VCF-style (leftmost placement, unchanged base first): chr4-168924245-GT-G. GRCh37 (hg19) VCF-style: chr4-169845396-GT-G.
Other names: c.3008-6delT (NM_016081.3); c.3008-6del (NM_016081.4); c.1862-6del (NM_001166109.2); c.1547-6del (NM_001166110.2); c.938-6del (NM_001367570.1, NM_001367568.1); c.887-6del (NM_001367567.1, NM_001367569.1).
Identifiers: ClinVar variation 1039213 (VCV001039213.10), dbSNP rs755470870, ClinGen allele CA3136035.
Genomic context (GRCh38, chr4:168,924,245, plus strand): 5'-AGCCTTCTGAATTCTTTCTAGTGCTCCTTTTGTATATCATTGATAGAGAATTCATCTCAT[GT>G]TTTCTTAGCTAAAGAAGCACACAAACCCCCTGTGTTTATTGAGAAGCTCCAAAACACAGG-3'

ClinVar aggregate classification (germline): Benign. Review status: criteria provided, single submitter (1 of 4 stars). 2 submissions from 2 submitters: Benign (1). 1 of the submissions does not count toward it. Last evaluated 2024-03-04.

Conditions:
PALLD-related disorder. Also called: PALLD-related condition.
Pancreatic adenocarcinoma. Identifiers: MedGen C0281361, MONDO:0006047, HP:0006725.

Submissions (2):

Labcorp Genetics (formerly Invitae), Labcorp
Classification: Benign for Pancreatic adenocarcinoma. Last evaluated: 2024-03-04. Review status: criteria provided, single submitter. Criteria: Invitae Variant Classification Sherloc (09022015). Collection method: clinical testing. Allele origin: germline.

PreventionGenetics, part of Exact Sciences
Classification: Likely benign for PALLD-related condition. Last evaluated: 2023-08-03. Review status: no assertion criteria provided. Collection method: clinical testing. Allele origin: germline. Not counted in ClinVar's aggregate classification.
Comment: This variant is classified as likely benign based on ACMG/AMP sequence variant interpretation guidelines (Richards et al. 2015 PMID: 25741868, with internal and published modifications).